The following is an entry in ClinVar:

NM_017654.4(SAMD9):c.1426C>A (p.Pro476Thr)

Gene: SAMD9 (sterile alpha motif domain containing 9; minus strand). Cytogenetic location: 7q21.2.
Variant type: single nucleotide variant.
Coding change: c.1426C>A on transcript NM_017654.4 (MANE Select); coding-DNA position 1426, C replaced by A.
Protein change: p.Pro476Thr; replaces proline 476 with threonine.
Molecular consequence: missense variant.
Genome position (GRCh38, 1-based): chr7:93,104,672, G>T on the plus strand (C>A on the coding strand, the complement: SAMD9 is on the minus strand). VCF-style: chr7-93104672-G-T. GRCh37 (hg19) VCF-style: chr7-92733985-G-T.
Other names: c.1426C>A, p.Pro476Thr (NM_001193307.2); short protein forms P476T.
Identifiers: ClinVar variation 4159051 (VCV004159051.1).
Genomic context (GRCh38, chr7:93,104,672, plus strand): 5'-CATTGCAGAAAATCCAGCTGGGTTGATGGTAAAGATTTAGAGTAGAAATCGTCTCATTTG[G>T]TGTGGTTTTCTGTTCTACATATACACTTGGAAAGTGAAGGTTTGCTACTCGGCTTTCTTT-3'
Protein context (NP_060124.2, residues 466-486): PSVYVEQKTT[Pro476Thr]NETISTLNLY

ClinVar aggregate classification (germline): Uncertain significance (1 of 4 stars; one submission).

Conditions:
Inborn genetic diseases. Identifiers: MedGen C0950123, MeSH D030342.

gnomAD v4.1: 8 of 1,614,050 alleles (0.0005%); highest among the groups gnomAD compares: Non-Finnish European, 0.00068%; no homozygotes.

Submission:

Ambry Genetics
Classification: Uncertain significance for Inborn genetic diseases. Last evaluated: 2025-06-29. Review status: criteria provided, single submitter. Criteria: Ambry Variant Classification Scheme 2023. Collection method: clinical testing. Allele origin: germline.
Comment: The p.P476T variant (also known as c.1426C>A), located in coding exon 1 of the SAMD9 gene, results from a C to A substitution at nucleotide position 1426. The proline at codon 476 is replaced by threonine, an amino acid with highly similar properties. This amino acid position is conserved. In addition, this alteration is predicted to be tolerated by in silico analysis. Based on the available evidence, the clinical significance of this variant remains unclear.